The following is an entry in ClinVar:

ClinVar aggregate classification (germline): Uncertain significance (1 of 4 stars; one submission).

gnomAD v4.1: 1 of 1,614,116 alleles (0.000062%); highest among the groups gnomAD compares: Non-Finnish European, 0.000085%; no homozygotes.

Submission:

Labcorp Genetics (formerly Invitae), Labcorp
Classification: Uncertain significance. Last evaluated: 2021-09-20. Review status: criteria provided, single submitter. Criteria: Invitae Variant Classification Sherloc (09022015). Collection method: clinical testing. Allele origin: germline.
Comment: This sequence change replaces serine with isoleucine at codon 1458 of the CPLANE1 protein (p.Ser1458Ile). The serine residue is moderately conserved and there is a large physicochemical difference between serine and isoleucine. This variant is not present in population databases (ExAC no frequency). This variant has not been reported in the literature in individuals affected with CPLANE1-related conditions. Advanced modeling of protein sequence and biophysical properties (such as structural, functional, and spatial information, amino acid conservation, physicochemical variation, residue mobility, and thermodynamic stability) performed at Invitae indicates that this missense variant is expected to disrupt CPLANE1 protein function. In summary, the available evidence is currently insufficient to determine the role of this variant in disease. Therefore, it has been classified as a Variant of Uncertain Significance.

NM_001384732.1(CPLANE1):c.4373G>T (p.Ser1458Ile)

Genes: CPLANE1 (ciliogenesis and planar polarity effector complex subunit 1; minus strand), LOC129389274 (MPRA-validated peak5227 silencer; plus strand). Cytogenetic location: 5p13.2.
Variant type: single nucleotide variant.
Coding change: c.4373G>T on transcript NM_001384732.1 (MANE Select); coding-DNA position 4373, G replaced by T.
Protein change: p.Ser1458Ile; replaces serine 1458 with isoleucine.
Molecular consequence: missense variant.
Genome position (GRCh38, 1-based): chr5:37,184,896, C>A on the plus strand (G>T on the coding strand, the complement: CPLANE1 is on the minus strand). VCF-style: chr5-37184896-C-A. GRCh37 (hg19) VCF-style: chr5-37184998-C-A.
Other names: c.4373G>T, p.Ser1458Ile (NM_023073.4); short protein forms S1458I.
Identifiers: ClinVar variation 1466028 (VCV001466028.6), dbSNP rs2151177439, ClinGen allele CA359499915.